The following is an entry in ClinVar:

NM_017763.6(RNF43):c.716C>T (p.Ala239Val)

Gene: RNF43 (ring finger protein 43; minus strand). Cytogenetic location: 17q22.
Variant type: single nucleotide variant.
Coding change: c.716C>T on transcript NM_017763.6 (MANE Select); coding-DNA position 716, C replaced by T.
Protein change: p.Ala239Val; replaces alanine 239 with valine.
Molecular consequence: missense variant.
Genome position (GRCh38, 1-based): chr17:58,360,916, G>A on the plus strand (C>T on the coding strand, the complement: RNF43 is on the minus strand). VCF-style: chr17-58360916-G-A. GRCh37 (hg19) VCF-style: chr17-56438277-G-A.
Other names: c.716C>T, p.Ala239Val (NM_001305544.3); c.335C>T, p.Ala112Val (NM_001305545.2); short protein forms A112V, A239V.
Identifiers: ClinVar variation 3434554 (VCV003434554.2).

ClinVar aggregate classification (germline): Uncertain significance (1 of 4 stars; one submission).

Submission:

Ambry Genetics
Classification: Uncertain significance. Last evaluated: 2025-10-05. Review status: criteria provided, single submitter. Criteria: Ambry Variant Classification Scheme 2023. Collection method: clinical testing. Allele origin: germline.
Comment: The p.A239V variant (also known as c.716C>T), located in coding exon 6 of the RNF43 gene, results from a C to T substitution at nucleotide position 716. The alanine at codon 239 is replaced by valine, an amino acid with similar properties. This amino acid position is conserved. In addition, this alteration is predicted to be tolerated by in silico analysis. Based on the available evidence, the clinical significance of this variant remains unclear.